The following is an entry in ClinVar:

NM_203486.3(DLL3):c.1674-3C>A

Gene: DLL3 (delta like canonical Notch ligand 3; plus strand). Cytogenetic location: 19q13.2.
Variant type: single nucleotide variant.
Coding change: c.1674-3C>A on transcript NM_203486.3 (MANE Select); 3 bases into the intron before coding-DNA position 1674, C replaced by A.
Molecular consequence: intron variant.
Genome position (GRCh38, 1-based): chr19:39,507,827, C>A. VCF-style: chr19-39507827-C-A. GRCh37 (hg19) VCF-style: chr19-39998467-C-A.
Other names: c.1674-3C>A (NM_016941.4).
Identifiers: ClinVar variation 1515729 (VCV001515729.3), dbSNP rs1218802830, ClinGen allele CA633132909.

ClinVar aggregate classification (germline): Uncertain significance (1 of 4 stars; one submission).

Allele frequency attached by ClinVar (database versions not stated): gnomAD exomes 0.00001.
gnomAD v4.1: 4 of 1,614,188 alleles (0.00025%); highest among the groups gnomAD compares: Admixed American, 0.0067%; no homozygotes.

Submission:

Labcorp Genetics (formerly Invitae), Labcorp
Classification: Uncertain significance. Last evaluated: 2022-07-12. Review status: criteria provided, single submitter. Criteria: Invitae Variant Classification Sherloc (09022015). Collection method: clinical testing. Allele origin: germline.
Comment: This sequence change falls in intron 7 of the DLL3 gene. It does not directly change the encoded amino acid sequence of the DLL3 protein. It affects a nucleotide within the consensus splice site. This variant is present in population databases (no rsID available, gnomAD 0.009%). This variant has not been reported in the literature in individuals affected with DLL3-related conditions. ClinVar contains an entry for this variant (Variation ID: 1515729). Variants that disrupt the consensus splice site are a relatively common cause of aberrant splicing (PMID: 17576681, 9536098). Algorithms developed to predict the effect of sequence changes on RNA splicing suggest that this variant is not likely to affect RNA splicing. In summary, the available evidence is currently insufficient to determine the role of this variant in disease. Therefore, it has been classified as a Variant of Uncertain Significance.

Literature cited by the submitters: PubMed 17576681; PubMed 9536098.